The following is an entry in ClinVar:

ClinVar aggregate classification (germline): Uncertain significance. Review status: criteria provided, multiple submitters, no conflicts (2 of 4 stars). 2 submissions from 2 submitters: Uncertain significance (2). Last evaluated 2024-03-29.

Conditions:
Infantile liver failure syndrome 3. Identifiers: MedGen C5231437, MONDO:0032844, OMIM 618641.

Allele frequency attached by ClinVar (database versions not stated): ExAC 0.00001; gnomAD exomes 0.00001; gnomAD 0.00005 and 0.00006; TOPMed 0.00005.
gnomAD v4.1: 16 of 1,613,786 alleles (0.00099%); highest among the groups gnomAD compares: African/African-American, 0.019%; no homozygotes.

Submissions (2):

Genomic Medicine Center of Excellence, King Faisal Specialist Hospital and Research Centre
Classification: Uncertain significance for Infantile liver failure syndrome 3. Last evaluated: 2024-03-29. Review status: criteria provided, single submitter. Criteria: ACMG Guidelines, 2015. Collection method: clinical testing. Allele origin: germline.

Labcorp Genetics (formerly Invitae), Labcorp
Classification: Uncertain significance. Last evaluated: 2023-01-01. Review status: criteria provided, single submitter. Criteria: Invitae Variant Classification Sherloc (09022015). Collection method: clinical testing. Allele origin: germline.
Comment: In summary, the available evidence is currently insufficient to determine the role of this variant in disease. Therefore, it has been classified as a Variant of Uncertain Significance. Algorithms developed to predict the effect of sequence changes on RNA splicing suggest that this variant may disrupt the consensus splice site. ClinVar contains an entry for this variant (Variation ID: 1363651). This variant has not been reported in the literature in individuals affected with RINT1-related conditions. This variant is present in population databases (rs747803201, gnomAD 0.02%). This sequence change falls in intron 6 of the RINT1 gene. It does not directly change the encoded amino acid sequence of the RINT1 protein.

NM_021930.6(RINT1):c.840-12T>A

Gene: RINT1 (RAD50 interactor 1; plus strand). Cytogenetic location: 7q22.3.
Variant type: single nucleotide variant.
Coding change: c.840-12T>A on transcript NM_021930.6 (MANE Select); 12 bases into the intron before coding-DNA position 840, T replaced by A.
Molecular consequence: intron variant.
Genome position (GRCh38, 1-based): chr7:105,548,542, T>A. VCF-style: chr7-105548542-T-A. GRCh37 (hg19) VCF-style: chr7-105188989-T-A.
Other names: c.-180-12T>A (NM_001346600.2); c.-83-14T>A (NM_001346601.2); c.-27-1513T>A (NM_001346603.2); c.606-12T>A (NM_001346599.2).
Identifiers: ClinVar variation 1363651 (VCV001363651.7), dbSNP rs747803201, ClinGen allele CA4426547.